The following is an entry in ClinVar:

NM_021930.6(RINT1):c.544A>C (p.Asn182His)

Gene: RINT1 (RAD50 interactor 1; plus strand). Cytogenetic location: 7q22.3.
Variant type: single nucleotide variant.
Coding change: c.544A>C on transcript NM_021930.6 (MANE Select); coding-DNA position 544, A replaced by C.
Protein change: p.Asn182His; replaces asparagine 182 with histidine.
Molecular consequence: missense variant. On other transcripts: 5 prime UTR variant (2), non-coding transcript variant (1), intron variant (1).
Genome position (GRCh38, 1-based): chr7:105,546,938, A>C. VCF-style: chr7-105546938-A-C. GRCh37 (hg19) VCF-style: chr7-105187385-A-C.
Other names: c.310A>C, p.Asn104His (NM_001346599.2); c.-476A>C (NM_001346600.2); c.-379A>C (NM_001346601.2); c.-27-3117A>C (NM_001346603.2); short protein forms N104H, N182H.
Identifiers: ClinVar variation 3789211 (VCV003789211.1).

ClinVar aggregate classification (germline): Uncertain significance (1 of 4 stars; one submission).

Submission:

Ambry Genetics
Classification: Uncertain significance. Last evaluated: 2024-12-14. Review status: criteria provided, single submitter. Criteria: Ambry Variant Classification Scheme 2023. Collection method: clinical testing. Allele origin: germline.
Comment: The p.N182H variant (also known as c.544A>C), located in coding exon 5 of the RINT1 gene, results from an A to C substitution at nucleotide position 544. The asparagine at codon 182 is replaced by histidine, an amino acid with similar properties. This amino acid position is conserved. In addition, this alteration is predicted to be tolerated by in silico analysis. Based on the available evidence, the clinical significance of this variant remains unclear.